The following is an entry in ClinVar:

NM_001252024.2(TRPM1):c.4474T>C (p.Trp1492Arg)

Gene: TRPM1 (transient receptor potential cation channel subfamily M member 1; minus strand). Cytogenetic location: 15q13.3.
Variant type: single nucleotide variant.
Coding change: c.4474T>C on transcript NM_001252024.2 (MANE Select); coding-DNA position 4474, T replaced by C.
Protein change: p.Trp1492Arg; replaces tryptophan 1492 with arginine.
Molecular consequence: missense variant.
Genome position (GRCh38, 1-based): chr15:31,002,226, A>G on the plus strand (T>C on the coding strand, the complement: TRPM1 is on the minus strand). VCF-style: chr15-31002226-A-G. GRCh37 (hg19) VCF-style: chr15-31294429-A-G.
Other names: c.4525T>C, p.Trp1509Arg (NM_001252020.2); c.4408T>C, p.Trp1470Arg (NM_002420.6); short protein forms W1470R, W1492R, W1509R.
Identifiers: ClinVar variation 1369029 (VCV001369029.4), dbSNP rs2141099058, ClinGen allele CA391523639.
Genomic context (GRCh38, chr15:31,002,226, plus strand): 5'-ACACAATGTAAGGAATATCTGTGCTATGAGAGCGCGTGATCTTTTGAACTTGGCATTGCC[A>G]TTCCGTCGTCAATTGCTGGTCCGTGATTGAACTGTACTCTACATCCTGGTTAACCCCACC-3'
Protein context (NP_001238953.1, residues 1482-1502): SITDQQLTTE[Trp1492Arg]QCQVQKITRS

ClinVar aggregate classification (germline): Uncertain significance (1 of 4 stars; one submission).

Allele frequency attached by ClinVar (database versions not stated): gnomAD exomes below 0.00001.
gnomAD v4.1: 2 of 1,614,252 alleles (0.00012%); highest among the groups gnomAD compares: Non-Finnish European, 0.00017%; no homozygotes.

Submission:

Labcorp Genetics (formerly Invitae), Labcorp
Classification: Uncertain significance. Last evaluated: 2021-09-24. Review status: criteria provided, single submitter. Criteria: Invitae Variant Classification Sherloc (09022015). Collection method: clinical testing. Allele origin: germline.
Comment: This sequence change replaces tryptophan with arginine at codon 1470 of the TRPM1 protein (p.Trp1470Arg). The tryptophan residue is highly conserved and there is a moderate physicochemical difference between tryptophan and arginine. This variant is not present in population databases (ExAC no frequency). In summary, the available evidence is currently insufficient to determine the role of this variant in disease. Therefore, it has been classified as a Variant of Uncertain Significance. Algorithms developed to predict the effect of missense changes on protein structure and function are either unavailable or do not agree on the potential impact of this missense change (SIFT: "Deleterious"; PolyPhen-2: "Benign"; Align-GVGD: "Class C0"). This variant has not been reported in the literature in individuals affected with TRPM1-related conditions.